The following is an entry in ClinVar:

NM_025099.6(CTC1):c.435+6T>C

Gene: CTC1 (CST telomere replication complex component 1; minus strand). Cytogenetic location: 17p13.1.
Variant type: single nucleotide variant.
Coding change: c.435+6T>C on transcript NM_025099.6 (MANE Select); 6 bases into the intron after coding-DNA position 435, T replaced by C.
Molecular consequence: intron variant.
Genome position (GRCh38, 1-based): chr17:8,238,386, A>G on the plus strand (T>C on the coding strand, the complement: CTC1 is on the minus strand). VCF-style: chr17-8238386-A-G. GRCh37 (hg19) VCF-style: chr17-8141704-A-G.
Other names: c.435+6T>C (NM_001411067.1).
Identifiers: ClinVar variation 4694475 (VCV004694475.1).

ClinVar aggregate classification (germline): Uncertain significance (1 of 4 stars; one submission).

Conditions:
Dyskeratosis congenita. Identifiers: Orphanet 1775, MedGen C0265965, MONDO:0015780.

Submission:

Labcorp Genetics (formerly Invitae), Labcorp
Classification: Uncertain significance for Dyskeratosis congenita. Last evaluated: 2025-06-18. Review status: criteria provided, single submitter. Criteria: Invitae Variant Classification Sherloc (09022015). Collection method: clinical testing. Allele origin: germline.
Comment: This sequence change falls in intron 3 of the CTC1 gene. It does not directly change the encoded amino acid sequence of the CTC1 protein. It affects a nucleotide within the consensus splice site. This variant is not present in population databases (gnomAD no frequency). This variant has not been reported in the literature in individuals affected with CTC1-related conditions. Variants that disrupt the consensus splice site are a relatively common cause of aberrant splicing (PMID: 17576681, 9536098). Algorithms developed to predict the effect of sequence changes on RNA splicing suggest that this variant is not likely to affect RNA splicing. In summary, the available evidence is currently insufficient to determine the role of this variant in disease. Therefore, it has been classified as a Variant of Uncertain Significance.

Literature cited by the submitters: PubMed 17576681; PubMed 9536098.